The following is an entry in ClinVar:

NM_006129.5(BMP1):c.23C>G (p.Pro8Arg)

Genes: BMP1 (bone morphogenetic protein 1; plus strand), LOC129999976 (ATAC-STARR-seq lymphoblastoid silent region 18982; plus strand). Cytogenetic location: 8p21.3.
Variant type: single nucleotide variant.
Coding change: c.23C>G on transcript NM_006129.5 (MANE Select); coding-DNA position 23, C replaced by G.
Protein change: p.Pro8Arg; replaces proline 8 with arginine.
Molecular consequence: missense variant. On other transcripts: non-coding transcript variant (2).
Genome position (GRCh38, 1-based): chr8:22,165,428, C>G. VCF-style: chr8-22165428-C-G. GRCh37 (hg19) VCF-style: chr8-22022941-C-G.
Other names: c.23C>G, p.Pro8Arg (NM_001199.4); c.23C>G (NM_006129.4); short protein forms P8R.
Identifiers: ClinVar variation 1478749 (VCV001478749.6), dbSNP rs778373466, ClinGen allele CA4664127.

ClinVar aggregate classification (germline): Uncertain significance. Review status: criteria provided, multiple submitters, no conflicts (2 of 4 stars). 2 submissions from 2 submitters: Uncertain significance (2). Last evaluated 2024-04-18.

Conditions:
Inborn genetic diseases. Identifiers: MedGen C0950123, MeSH D030342.

Allele frequency attached by ClinVar (database versions not stated): gnomAD 0.00005 and 0.00006; TOPMed 0.00007.

Submissions (2):

Labcorp Genetics (formerly Invitae), Labcorp
Classification: Uncertain significance. Last evaluated: 2024-04-18. Review status: criteria provided, single submitter. Criteria: Invitae Variant Classification Sherloc (09022015). Collection method: clinical testing. Allele origin: germline.
Comment: This sequence change replaces proline, which is neutral and non-polar, with arginine, which is basic and polar, at codon 8 of the BMP1 protein (p.Pro8Arg). This variant is present in population databases (rs778373466, gnomAD 0.02%). This variant has not been reported in the literature in individuals affected with BMP1-related conditions. ClinVar contains an entry for this variant (Variation ID: 1478749). An algorithm developed to predict the effect of missense changes on protein structure and function (PolyPhen-2) suggests that this variant¬†is likely to be tolerated. In summary, the available evidence is currently insufficient to determine the role of this variant in disease. Therefore, it has been classified as a Variant of Uncertain Significance.

Ambry Genetics
Classification: Uncertain significance for Inborn genetic diseases. Last evaluated: 2023-11-22. Review status: criteria provided, single submitter. Criteria: Ambry Variant Classification Scheme 2023. Collection method: clinical testing. Allele origin: germline.